The following is an entry in ClinVar:

NM_000059.4(BRCA2):c.707A>G (p.His236Arg)

Gene: BRCA2 (BRCA2 DNA repair associated; plus strand). Cytogenetic location: 13q13.1.
Variant type: single nucleotide variant.
Coding change: c.707A>G on transcript NM_000059.4 (MANE Select); coding-DNA position 707, A replaced by G.
Protein change: p.His236Arg; replaces histidine 236 with arginine.
Molecular consequence: missense variant.
Genome position (GRCh38, 1-based): chr13:32,330,944, A>G. VCF-style: chr13-32330944-A-G. GRCh37 (hg19) VCF-style: chr13-32905081-A-G.
Other names: short protein forms H236R.
Identifiers: ClinVar variation 52263 (VCV000052263.21), dbSNP rs80358938, ClinGen allele CA024845.

ClinVar aggregate classification (germline): Conflicting classifications of pathogenicity. Review status: criteria provided, conflicting classifications (1 of 4 stars). 7 submissions from 7 submitters: Uncertain significance (5); Likely benign (1). 1 of the submissions does not count toward it. Last evaluated 2025-08-11.

Conditions:
Hereditary breast ovarian cancer syndrome. Also called: Hereditary breast and ovarian cancer syndrome; Hereditary breast and ovarian cancer; Hereditary breast and ovarian cancer syndrome (HBOC); Breast and ovarian cancer; Hereditary breast and/or ovarian cancer syndrome; BRCA1- and BRCA2-Associated Hereditary Breast and Ovarian Cancer. Identifiers: Orphanet 145, MedGen C0677776, MeSH D061325, MONDO:0003582. Disease mechanism: loss of function.
Hereditary cancer-predisposing syndrome. Also called: Neoplastic Syndromes, Hereditary; Tumor predisposition; Hereditary neoplastic syndrome; Hereditary Cancer Syndrome. Identifiers: Orphanet 140162, MedGen C0027672, MeSH D009386, MONDO:0015356.
Familial cancer of breast. Also called: BREAST CANCER, FAMILIAL; Hereditary breast cancer; hereditary breast carcinoma. Identifiers: Orphanet 227535, MedGen C0346153, MONDO:0016419, OMIM 114480. Disease mechanism: loss of function.
Breast-ovarian cancer, familial, susceptibility to, 2 (BROVCA2). Also called: BRCA2 Hereditary Breast and Ovarian Cancer. Identifiers: Orphanet 145, MedGen C2675520, MONDO:0012933, OMIM 612555. Disease mechanism: loss of function.

Allele frequency attached by ClinVar (database versions not stated): gnomAD exomes below 0.00001; ExAC 0.00001; gnomAD 0.00001.
gnomAD v4.1: 3 of 1,612,606 alleles (0.00019%); highest among the groups gnomAD compares: Non-Finnish European, 0.000085%; no homozygotes.

Submissions (7):

Ambry Genetics
Classification: Uncertain significance for Hereditary cancer-predisposing syndrome. Last evaluated: 2025-08-11. Review status: criteria provided, single submitter. Criteria: Ambry Variant Classification Scheme 2023. Collection method: clinical testing. Allele origin: germline.
Comment: The p.H236R variant (also known as c.707A>G), located in coding exon 8 of the BRCA2 gene, results from an A to G substitution at nucleotide position 707. The histidine at codon 236 is replaced by arginine, an amino acid with highly similar properties. This amino acid position is not well conserved in available vertebrate species. In addition, this alteration is predicted to be tolerated by in silico analysis. Since supporting evidence is limited at this time, the clinical significance of this alteration remains unclear.

Labcorp Genetics (formerly Invitae), Labcorp
Classification: Uncertain significance for Hereditary breast ovarian cancer syndrome. Last evaluated: 2024-09-22. Review status: criteria provided, single submitter. Criteria: Invitae Variant Classification Sherloc (09022015). Collection method: clinical testing. Allele origin: germline.
Comment: This sequence change replaces histidine, which is basic and polar, with arginine, which is basic and polar, at codon 236 of the BRCA2 protein (p.His236Arg). This variant is present in population databases (rs80358938, gnomAD 0.0009%). This variant has not been reported in the literature in individuals affected with BRCA2-related conditions. ClinVar contains an entry for this variant (Variation ID: 52263). Invitae Evidence Modeling of protein sequence and biophysical properties (such as structural, functional, and spatial information, amino acid conservation, physicochemical variation, residue mobility, and thermodynamic stability) indicates that this missense variant is not expected to disrupt BRCA2 protein function with a negative predictive value of 95%. In summary, the available evidence is currently insufficient to determine the role of this variant in disease. Therefore, it has been classified as a Variant of Uncertain Significance.

Baylor Genetics
Classification: Uncertain significance for Familial cancer of breast. Last evaluated: 2023-06-28. Review status: criteria provided, single submitter. Criteria: ACMG Guidelines, 2015. Collection method: clinical testing. Allele origin: unknown.

Myriad Genetics, Inc.
Classification: Likely benign for Breast-ovarian cancer, familial, susceptibility to, 2. Last evaluated: 2023-06-02. Review status: criteria provided, single submitter. Criteria: Myriad Autosomal Dominant, Autosomal Recessive and X-Linked Classification Criteria (2023). Collection method: clinical testing. Allele origin: unknown.
Comment: This variant is considered likely benign. This variant is strongly associated with less severe personal and family histories of cancer, typical for individuals without pathogenic variants in this gene [PMID: 25085752].

Department of Pathology and Laboratory Medicine, Sinai Health System
Classification: Uncertain significance for Familial cancer of breast; Breast-ovarian cancer, familial, susceptibility to, 2. Last evaluated: 2019-12-02. Review status: criteria provided, single submitter. Criteria: ACMG Guidelines, 2015. Collection method: clinical testing. Allele origin: germline. Affected: yes.

Color Diagnostics, LLC DBA Color Health
Classification: Uncertain significance for Hereditary cancer-predisposing syndrome. Last evaluated: 2019-06-01. Review status: criteria provided, single submitter. Criteria: ACMG Guidelines, 2015. Collection method: clinical testing. Allele origin: germline.

Breast Cancer Information Core (BIC) (BRCA2)
Classification: Uncertain significance for Breast-ovarian cancer, familial 2. Last evaluated: 2003-12-23. Review status: no assertion criteria provided. Collection method: clinical testing. Allele origin: germline. Affected: yes. Observed: 1 variant allele. Not counted in ClinVar's aggregate classification.

Literature cited by the submitters: PubMed 25085752 (cited by Myriad Genetics, Inc.).